The following is an entry in ClinVar:

NM_006914.4(RORB):c.430G>C (p.Gly144Arg)

Gene: RORB (RAR related orphan receptor B; plus strand). Cytogenetic location: 9q21.13.
Variant type: single nucleotide variant.
Coding change: c.430G>C on transcript NM_006914.4 (MANE Select); coding-DNA position 430, G replaced by C.
Protein change: p.Gly144Arg; replaces glycine 144 with arginine.
Molecular consequence: missense variant.
Genome position (GRCh38, 1-based): chr9:74,642,608, G>C. VCF-style: chr9-74642608-G-C. GRCh37 (hg19) VCF-style: chr9-77257524-G-C.
Other names: c.463G>C, p.Gly155Arg (NM_001365023.1); short protein forms G155R, G144R.
Identifiers: ClinVar variation 3004290 (VCV003004290.4), dbSNP rs571973540, ClinGen allele CA373769839.

ClinVar aggregate classification (germline): Uncertain significance. Review status: criteria provided, multiple submitters, no conflicts (2 of 4 stars). 2 submissions from 2 submitters: Uncertain significance (2). Last evaluated 2026-01-21.

gnomAD v4.1: 4 of 1,614,040 alleles (0.00025%); highest among the groups gnomAD compares: East Asian, 0.0045%; no homozygotes.

Submissions (2):

Labcorp Genetics (formerly Invitae), Labcorp
Classification: Uncertain significance. Last evaluated: 2026-01-21. Review status: criteria provided, single submitter. Criteria: Invitae Variant Classification Sherloc (09022015). Collection method: clinical testing. Allele origin: germline.
Comment: This sequence change replaces glycine, which is neutral and non-polar, with arginine, which is basic and polar, at codon 144 of the RORB protein (p.Gly144Arg). This variant is not present in population databases (gnomAD no frequency). This variant has not been reported in the literature in individuals affected with RORB-related conditions. ClinVar contains an entry for this variant (Variation ID: 3004290). An algorithm developed to predict the effect of missense changes on protein structure and function (PolyPhen-2) suggests that this variant is likely to be tolerated. In summary, the available evidence is currently insufficient to determine the role of this variant in disease. Therefore, it has been classified as a Variant of Uncertain Significance.

Blueprint Genetics
Classification: Uncertain significance. Last evaluated: 2021-07-26. Review status: criteria provided, single submitter. Criteria: ACMG Guidelines, 2015. Collection method: clinical testing. Allele origin: germline.